The following is an entry in ClinVar:

NC_000023.11:g.101841530G>A

Gene: NXF5 (nuclear RNA export factor 5; minus strand). Cytogenetic location: Xq22.1.
Variant type: single nucleotide variant.
Molecular consequence: non-coding transcript variant (on NR_028089.1).
Genome position: GRCh38 VCF-style: chrX-101841530-G-A. GRCh37 (hg19) VCF-style: chrX-101096502-G-A.
Identifiers: ClinVar variation 2964669 (VCV002964669.3), dbSNP rs772831793, ClinGen allele CA10474681.

ClinVar aggregate classification (germline): Uncertain significance (1 of 4 stars; one submission).

Allele frequency attached by ClinVar (database versions not stated): TOPMed below 0.00001; ExAC 0.00007.

Submission:

Labcorp Genetics (formerly Invitae), Labcorp
Classification: Uncertain significance. Last evaluated: 2023-12-26. Review status: criteria provided, single submitter. Criteria: Invitae Variant Classification Sherloc (09022015). Collection method: clinical testing. Allele origin: germline.
Comment: This sequence change replaces alanine, which is neutral and non-polar, with valine, which is neutral and non-polar, at codon 90 of the NXF5 protein (p.Ala90Val). This variant is present in population databases (rs772831793, gnomAD 0.03%). This variant has not been reported in the literature in individuals affected with NXF5-related conditions. Algorithms developed to predict the effect of missense changes on protein structure and function output the following: SIFT: "Not Available"; PolyPhen-2: "Benign"; Align-GVGD: "Not Available". The valine amino acid residue is found in multiple mammalian species, which suggests that this missense change does not adversely affect protein function. Algorithms developed to predict the effect of sequence changes on RNA splicing suggest that this variant may disrupt the consensus splice site. In summary, the available evidence is currently insufficient to determine the role of this variant in disease. Therefore, it has been classified as a Variant of Uncertain Significance.